The following is an entry in ClinVar:

NM_017617.5(NOTCH1):c.2848G>A (p.Ala950Thr)

Gene: NOTCH1 (notch receptor 1; minus strand). Cytogenetic location: 9q34.3.
Variant type: single nucleotide variant.
Coding change: c.2848G>A on transcript NM_017617.5 (MANE Select); coding-DNA position 2848, G replaced by A.
Protein change: p.Ala950Thr; replaces alanine 950 with threonine.
Molecular consequence: missense variant.
Genome position (GRCh38, 1-based): chr9:136,509,854, C>T on the plus strand (G>A on the coding strand, the complement: NOTCH1 is on the minus strand). VCF-style: chr9-136509854-C-T. GRCh37 (hg19) VCF-style: chr9-139404306-C-T.
Other names: short protein forms A950T.
Identifiers: ClinVar variation 2444733 (VCV002444733.1), dbSNP rs2133350932, ClinGen allele CA375553700.

ClinVar aggregate classification (germline): Uncertain significance (1 of 4 stars; one submission).

Submission:

GeneDx
Classification: Uncertain significance. Last evaluated: 2022-09-15. Review status: criteria provided, single submitter. Criteria: GeneDx Variant Classification Process June 2021. Collection method: clinical testing. Allele origin: germline. Affected: yes.
Comment: Not observed at significant frequency in large population cohorts (gnomAD); In silico analysis supports that this missense variant does not alter protein structure/function; Has not been previously published as pathogenic or benign to our knowledge